The following is an entry in ClinVar:

ClinVar aggregate classification (germline): Uncertain significance (1 of 4 stars; one submission).

Conditions:
Hereditary cancer-predisposing syndrome. Also called: Tumor predisposition; Hereditary Cancer Syndrome; Hereditary neoplastic syndrome; Neoplastic Syndromes, Hereditary. Identifiers: Orphanet 140162, MedGen C0027672, MeSH D009386, MONDO:0015356.

Submission:

Ambry Genetics
Classification: Uncertain significance for Hereditary cancer-predisposing syndrome. Last evaluated: 2024-05-14. Review status: criteria provided, single submitter. Criteria: Ambry Variant Classification Scheme 2023. Collection method: clinical testing. Allele origin: germline.
Comment: The p.A222G variant (also known as c.665C>G), located in coding exon 6 of the FANCC gene, results from a C to G substitution at nucleotide position 665. The alanine at codon 222 is replaced by glycine, an amino acid with similar properties. This amino acid position is conserved. In addition, this alteration is predicted to be tolerated by in silico analysis. Based on the available evidence, the clinical significance of this variant remains unclear.

NM_000136.3(FANCC):c.665C>G (p.Ala222Gly)

Genes: AOPEP (aminopeptidase O (putative); plus strand), FANCC (FA complementation group C; minus strand). Cytogenetic location: 9q22.32.
Variant type: single nucleotide variant.
Coding change: c.665C>G on transcript NM_000136.3 (MANE Select); coding-DNA position 665, C replaced by G.
Protein change: p.Ala222Gly; replaces alanine 222 with glycine.
Molecular consequence: missense variant.
Genome position (GRCh38, 1-based): chr9:95,149,944, G>C on the plus strand (C>G on the coding strand, the complement: FANCC is on the minus strand). VCF-style: chr9-95149944-G-C. GRCh37 (hg19) VCF-style: chr9-97912226-G-C.
Other names: c.665C>G, p.Ala222Gly (NM_001243743.2, NM_001243744.2); short protein forms A222G.
Identifiers: ClinVar variation 3277640 (VCV003277640.1).